The following is an entry in ClinVar:

NM_213655.5(WNK1):c.2917G>A (p.Val973Ile)

Gene: WNK1 (WNK lysine deficient protein kinase 1; plus strand). Cytogenetic location: 12p13.33.
Variant type: single nucleotide variant.
Coding change: c.2917G>A on transcript NM_213655.5 (MANE Plus Clinical); coding-DNA position 2917, G replaced by A.
Protein change: p.Val973Ile; replaces valine 973 with isoleucine.
Molecular consequence: missense variant. On other transcripts: intron variant (2).
Genome position (GRCh38, 1-based): chr12:868,388, G>A. VCF-style: chr12-868388-G-A. GRCh37 (hg19) VCF-style: chr12-977554-G-A.
Other names: c.2662G>A, p.Val888Ile (NM_001184985.2); c.2140-2877G>A (NM_018979.4, NM_014823.3); short protein forms V888I, V973I.
Identifiers: ClinVar variation 1511167 (VCV001511167.6), dbSNP rs752313510, ClinGen allele CA6382263.

ClinVar aggregate classification (germline): Uncertain significance (1 of 4 stars; one submission).

Conditions:
Neuropathy, hereditary sensory and autonomic, type 2A (HSAN2A). Also called: HSAN IIA; ACROOSTEOLYSIS, GIACCAI TYPE; ACROOSTEOLYSIS, NEUROGENIC; MORVAN DISEASE; NEUROPATHY, CONGENITAL SENSORY; NEUROPATHY, HEREDITARY SENSORY RADICULAR, AUTOSOMAL RECESSIVE. Identifiers: Orphanet 970, MedGen C2752089, MONDO:0024309, OMIM 201300.
Pseudohypoaldosteronism type 2C (PHA2C). Also called: Pseudohypoaldosteronism Type IIC. Identifiers: Orphanet 757, Orphanet 88940, MedGen C1840391, MONDO:0013778, OMIM 614492.

Allele frequency attached by ClinVar (database versions not stated): gnomAD exomes below 0.00001 and 0.00002; gnomAD 0.00001; TOPMed 0.00001; ExAC 0.00002.
gnomAD v4.1: 8 of 1,613,858 alleles (0.0005%); highest among the groups gnomAD compares: East Asian, 0.0067%; no homozygotes.

Submission:

Labcorp Genetics (formerly Invitae), Labcorp
Classification: Uncertain significance for Neuropathy, hereditary sensory and autonomic, type 2A; Pseudohypoaldosteronism type 2C. Last evaluated: 2023-05-31. Review status: criteria provided, single submitter. Criteria: Invitae Variant Classification Sherloc (09022015). Collection method: clinical testing. Allele origin: germline.
Comment: This variant has not been reported in the literature in individuals affected with WNK1-related conditions. ClinVar contains an entry for this variant (Variation ID: 1511167). This sequence change replaces valine, which is neutral and non-polar, with isoleucine, which is neutral and non-polar, at codon 973 of the WNK1 protein (p.Val973Ile). This variant is present in population databases (rs752313510, gnomAD 0.006%). Advanced modeling of protein sequence and biophysical properties (such as structural, functional, and spatial information, amino acid conservation, physicochemical variation, residue mobility, and thermodynamic stability) performed at Invitae indicates that this missense variant is not expected to disrupt WNK1 protein function. In summary, the available evidence is currently insufficient to determine the role of this variant in disease. Therefore, it has been classified as a Variant of Uncertain Significance.